The following is an entry in ClinVar:

NM_001184.4(ATR):c.5932A>C (p.Lys1978Gln)

Gene: ATR (ATR checkpoint kinase; minus strand). Cytogenetic location: 3q23.
Variant type: single nucleotide variant.
Coding change: c.5932A>C on transcript NM_001184.4 (MANE Select); coding-DNA position 5932, A replaced by C.
Protein change: p.Lys1978Gln; replaces lysine 1978 with glutamine.
Molecular consequence: missense variant.
Genome position (GRCh38, 1-based): chr3:142,493,278, T>G on the plus strand (A>C on the coding strand, the complement: ATR is on the minus strand). VCF-style: chr3-142493278-T-G. GRCh37 (hg19) VCF-style: chr3-142212120-T-G.
Other names: c.5740A>C, p.Lys1914Gln (NM_001354579.2); short protein forms K1914Q, K1978Q.
Identifiers: ClinVar variation 3221232 (VCV003221232.1), dbSNP rs2473143374, ClinGen allele CA354811801.
Genomic context (GRCh38, chr3:142,493,278, plus strand): 5'-TTAACATGTTCTTACCCTCAGGTGGGGTTTCATTTTCAGGAAAACATAATTCAACACCTT[T>G]TTGAAGAACAATTAGTGCCTGGTGAACATCACCCTAAAAGAAAAAAGGCAACAATAAGCC-3'
Protein context (NP_001175.2, residues 1968-1988): DVHQALIVLQ[Lys1978Gln]GVELCFPENE

ClinVar aggregate classification (germline): Uncertain significance (1 of 4 stars; one submission).

Conditions:
Inborn genetic diseases. Identifiers: MedGen C0950123, MeSH D030342.

Submission:

Ambry Genetics
Classification: Uncertain significance for Inborn genetic diseases. Last evaluated: 2024-02-02. Review status: criteria provided, single submitter. Criteria: Ambry Variant Classification Scheme 2023. Collection method: clinical testing. Allele origin: germline.
Comment: The p.K1978Q variant (also known as c.5932A>C), located in coding exon 35 of the ATR gene, results from an A to C substitution at nucleotide position 5932. The lysine at codon 1978 is replaced by glutamine, an amino acid with similar properties. This amino acid position is conserved. In addition, the in silico prediction for this alteration is inconclusive. Based on the available evidence, the clinical significance of this alteration remains unclear.